The following is an entry in ClinVar:

NC_000022.11:g.40346450C>T

Gene: ADSL (adenylosuccinate lyase; plus strand). Cytogenetic location: 22q13.1.
Variant type: single nucleotide variant.
Genome position: GRCh38 VCF-style: chr22-40346450-C-T. GRCh37 (hg19) VCF-style: chr22-40742454-C-T.
Identifiers: ClinVar variation 2845842 (VCV002845842.1), dbSNP rs566390881, ClinGen allele CA324446927.

ClinVar aggregate classification (germline): Uncertain significance (1 of 4 stars; one submission).

Conditions:
Adenylosuccinate lyase deficiency (ADSLD). Also called: ADSL DEFICIENCY. Identifiers: Orphanet 46, MedGen C0268126, MONDO:0007068, OMIM 103050.

Allele frequency attached by ClinVar (database versions not stated): TOPMed 0.00001; gnomAD 0.00003; 1000 Genomes Project 30x 0.00016; 1000 Genomes Project 0.00020.

Submission:

Labcorp Genetics (formerly Invitae), Labcorp
Classification: Uncertain significance for Adenylosuccinate lyase deficiency. Last evaluated: 2023-11-04. Review status: criteria provided, single submitter. Criteria: Invitae Variant Classification Sherloc (09022015). Collection method: clinical testing. Allele origin: germline.
Comment: This variant occurs in a non-coding region of the ADSL gene. It does not change the encoded amino acid sequence of the ADSL protein. This variant is not present in population databases (gnomAD no frequency). This variant has not been reported in the literature in individuals affected with ADSL-related conditions. Experimental studies and prediction algorithms are not available or were not evaluated, and the functional significance of this variant is currently unknown. In summary, the available evidence is currently insufficient to determine the role of this variant in disease. Therefore, it has been classified as a Variant of Uncertain Significance.